The following is an entry in ClinVar:

NM_031935.3(HMCN1):c.12904+6T>C

Gene: HMCN1 (hemicentin 1; plus strand). Cytogenetic location: 1q31.1.
Variant type: single nucleotide variant.
Coding change: c.12904+6T>C on transcript NM_031935.3 (MANE Select); 6 bases into the intron after coding-DNA position 12904, T replaced by C.
Molecular consequence: intron variant.
Genome position (GRCh38, 1-based): chr1:186,128,297, T>C. VCF-style: chr1-186128297-T-C. GRCh37 (hg19) VCF-style: chr1-186097429-T-C.
Identifiers: ClinVar variation 3707037 (VCV003707037.2).
Genomic context (GRCh38, chr1:186,128,297, plus strand): 5'-ACTGGTATTCCATTGCCCAAATTAACATGGACCTTCAATAACAATATTATTCCAGGTTGG[T>C]CATTTAATTCTCAAGAAGTGAATAAATACACCTATGTAGAACTCTAGACGAAGCTCTGTT-3'

ClinVar aggregate classification (germline): Uncertain significance (1 of 4 stars; one submission).

gnomAD v4.1: 24 of 1,607,666 alleles (0.0015%); highest among the groups gnomAD compares: Non-Finnish European, 0.0019%; no homozygotes.

Submission:

Labcorp Genetics (formerly Invitae), Labcorp
Classification: Uncertain significance. Last evaluated: 2024-08-15. Review status: criteria provided, single submitter. Criteria: Invitae Variant Classification Sherloc (09022015). Collection method: clinical testing. Allele origin: germline.
Comment: This sequence change falls in intron 83 of the HMCN1 gene. It does not directly change the encoded amino acid sequence of the HMCN1 protein. It affects a nucleotide within the consensus splice site. This variant is present in population databases (rs759497369, gnomAD 0.003%). This variant has not been reported in the literature in individuals affected with HMCN1-related conditions. Variants that disrupt the consensus splice site are a relatively common cause of aberrant splicing (PMID: 17576681, 9536098). Algorithms developed to predict the effect of sequence changes on RNA splicing suggest that this variant may disrupt the consensus splice site. In summary, the available evidence is currently insufficient to determine the role of this variant in disease. Therefore, it has been classified as a Variant of Uncertain Significance.

Literature cited by the submitters: PubMed 17576681; PubMed 9536098.